The following is an entry in ClinVar:

ClinVar aggregate classification (germline): Uncertain significance. Review status: criteria provided, multiple submitters, no conflicts (2 of 4 stars). 3 submissions from 3 submitters: Uncertain significance (2). 1 of the submissions does not count toward it. Last evaluated 2022-02-07.

Conditions:
Ectodermal dysplasia and immunodeficiency 2. Identifiers: Orphanet 238468, Orphanet 98813, MedGen C2677481, MONDO:0012806, OMIM 612132.

Submissions (3):

Laboratorio de Genetica e Diagnostico Molecular, Hospital Israelita Albert Einstein
Classification: Uncertain significance for Ectodermal dysplasia and immunodeficiency 2. Last evaluated: 2022-02-07. Review status: criteria provided, single submitter. Criteria: ACMG Guidelines, 2015. Collection method: clinical testing. Allele origin: germline. Affected: yes.
Comment: ACMG classification criteria: PM2 moderate, PP3 supporting

Labcorp Genetics (formerly Invitae), Labcorp
Classification: Uncertain significance for Ectodermal dysplasia and immunodeficiency 2. Last evaluated: 2020-04-12. Review status: criteria provided, single submitter. Criteria: Invitae Variant Classification Sherloc (09022015). Collection method: clinical testing. Allele origin: germline.
Comment: This sequence change replaces methionine with arginine at codon 37 of the NFKBIA protein (p.Met37Arg). The methionine residue is moderately conserved and there is a moderate physicochemical difference between methionine and arginine. In summary, the available evidence is currently insufficient to determine the role of this variant in disease. Therefore, it has been classified as a Variant of Uncertain Significance. Algorithms developed to predict the effect of sequence changes on RNA splicing suggest that this variant may create or strengthen a splice site, but this prediction has not been confirmed by published transcriptional studies. Algorithms developed to predict the effect of missense changes on protein structure and function are either unavailable or do not agree on the potential impact of this missense change (SIFT: "Deleterious"; PolyPhen-2: "Possibly Damaging"; Align-GVGD: "Class C0"). This variant has been observed in individual(s) with clinical features of anhidrotic ectodermal dysplasia (PMID: 23870671). ClinVar contains an entry for this variant (Variation ID: 590306). This variant is not present in population databases (ExAC no frequency).

OMIM
Classification: Pathogenic for ECTODERMAL DYSPLASIA AND IMMUNODEFICIENCY 2. Last evaluated: 2023-09-28. Review status: no assertion criteria provided. Collection method: literature only. Allele origin: germline. Not counted in ClinVar's aggregate classification.

Literature cited by the submitters: PubMed 23870671 (cited by Labcorp Genetics (formerly Invitae), Labcorp and OMIM).

NM_020529.3(NFKBIA):c.110T>G (p.Met37Arg)

Gene: NFKBIA (NFKB inhibitor alpha; minus strand). Cytogenetic location: 14q13.2.
Variant type: single nucleotide variant.
Coding change: c.110T>G on transcript NM_020529.3 (MANE Select); coding-DNA position 110, T replaced by G.
Protein change: p.Met37Arg; replaces methionine 37 with arginine.
Molecular consequence: missense variant.
Genome position (GRCh38, 1-based): chr14:35,404,535, A>C on the plus strand (T>G on the coding strand, the complement: NFKBIA is on the minus strand). VCF-style: chr14-35404535-A-C. GRCh37 (hg19) VCF-style: chr14-35873741-A-C.
Other names: short protein forms M37R.
Identifiers: ClinVar variation 590306 (VCV000590306.15), dbSNP rs1566591073, ClinGen allele CA389455290.
Genomic context (GRCh38, chr14:35,404,535, plus strand): 5'-TGCGGCTCGAGGCGGATCTCCTGCAGCTCCTTGACCATCTGCTCGTACTCCTCGTCTTTC[A>C]TGGAGTCCAGGCCGCTGTCGTGGCGGTCGTCCAGTAGCCGCTCCTTCTTCAGCCCGTCGC-3'
Protein context (NP_065390.1, residues 27-47): DDRHDSGLDS[Met37Arg]KDEEYEQMVK